The following is an entry in ClinVar:

ClinVar aggregate classification (germline): Pathogenic. Review status: criteria provided, multiple submitters, no conflicts (2 of 4 stars). 3 submissions from 3 submitters: Pathogenic (3). Last evaluated 2018-05-24.

Conditions:
Duchenne muscular dystrophy (DMD). Also called: MUSCULAR DYSTROPHY, PSEUDOHYPERTROPHIC PROGRESSIVE, DUCHENNE TYPE; Duchenne Muscular Dystrophy (DMD). Identifiers: Orphanet 98896, MedGen C0013264, MONDO:0010679, OMIM 310200.

Submissions (3):

Labcorp Genetics (formerly Invitae), Labcorp
Classification: Pathogenic for Duchenne muscular dystrophy. Last evaluated: 2018-05-24. Review status: criteria provided, single submitter. Criteria: Invitae Variant Classification Sherloc (09022015). Collection method: clinical testing. Allele origin: germline.
Comment: For these reasons, this variant has been classified as Pathogenic. Loss-of-function variants in DMD are known to be pathogenic (PMID: 16770791, 25007885). This variant has been observed in several individuals affected with Duchenne Muscular Dystrophy (DMD) (PMID: 20485447). ClinVar contains an entry for this variant (Variation ID: 217211). This variant is not present in population databases (ExAC no frequency). This sequence change creates a premature translational stop signal (p.Trp2606*) in the DMD gene. It is expected to result in an absent or disrupted protein product.

Athena Diagnostics
Classification: Pathogenic for Duchenne muscular dystrophy. Last evaluated: 2013-03-07. Review status: criteria provided, single submitter. Criteria: Athena Diagnostics Criteria. Collection method: clinical testing. Allele origin: germline. Inheritance: X-linked recessive inheritance.
Comment: X-linked recessive inheritance

Genomic Diagnostics Laboratory, National Institute of Medical Genomics
Classification: Pathogenic for Duchenne muscular dystrophy. Review status: criteria provided, single submitter. Criteria: ACMG Guidelines, 2015. Collection method: research. Allele origin: germline. Affected: yes.

Literature cited by the submitters: PubMed 16770791 (cited by Labcorp Genetics (formerly Invitae), Labcorp); PubMed 25007885 (cited by Labcorp Genetics (formerly Invitae), Labcorp); PubMed 20485447 (cited by Labcorp Genetics (formerly Invitae), Labcorp and Athena Diagnostics).

NM_004006.3(DMD):c.7817G>A (p.Trp2606Ter)

Gene: DMD (dystrophin; minus strand). Cytogenetic location: Xp21.1.
Variant type: single nucleotide variant.
Coding change: c.7817G>A on transcript NM_004006.3 (MANE Select); coding-DNA position 7817, G replaced by A.
Protein change: p.Trp2606Ter; replaces tryptophan 2606 with a stop codon.
Molecular consequence: nonsense.
Genome position (GRCh38, 1-based): chrX:31,679,430, C>T on the plus strand (G>A on the coding strand, the complement: DMD is on the minus strand). VCF-style: chrX-31679430-C-T. GRCh37 (hg19) VCF-style: chrX-31697547-C-T.
Other names: c.7793G>A, p.Trp2598Ter (NM_000109.4); c.7805G>A, p.Trp2602Ter (NM_004009.3); c.7448G>A, p.Trp2483Ter (NM_004010.3); c.3794G>A, p.Trp1265Ter (NM_004011.4); c.3785G>A, p.Trp1262Ter (NM_004012.4); c.437G>A, p.Trp146Ter (NM_004013.3, NM_004020.4, NM_004021.3 and 2 more transcripts); short protein forms W2606*, W2598*, W1262*, W1265*, W2483*, W2602*, W146*.
Identifiers: ClinVar variation 217211 (VCV000217211.11), dbSNP rs863225009, ClinGen allele CA347476.